The following is an entry in ClinVar:

ClinVar aggregate classification (germline): Conflicting classifications of pathogenicity. Review status: criteria provided, conflicting classifications (1 of 4 stars). 11 submissions from 10 submitters: Uncertain significance (2); Benign (3); Likely benign (3). 3 of the submissions do not count toward it. Last evaluated 2026-01-05.

Conditions:
PRKAG2-related disorder. Also called: PRKAG2-related condition; PRKAG2-related disorders.
Wolff-Parkinson-White pattern. Also called: Auriculoventricular accessory pathway syndrome; False bundle branch block syndrome; Anomalous ventricular excitation syndrome; WPW SYNDROME. Identifiers: MedGen C0043202, MONDO:0008685, OMIM 194200, HP:0001716.
Hypertrophic cardiomyopathy 6. Identifiers: MedGen C1833236, MONDO:0010946, OMIM 600858.
Cardiomyopathy (CMYO). Also called: Cardiomyopathies. Identifiers: Orphanet 167848, MedGen C0878544, MONDO:0004994, HP:0001638. Inheritance: Various modes of inheritance.
Cardiovascular phenotype. Identifiers: MedGen CN230736.
Lethal congenital glycogen storage disease of heart. Also called: PHOSPHORYLASE KINASE DEFICIENCY OF HEART; GLYCOGEN STORAGE DISEASE OF HEART. Identifiers: Orphanet 439854, MedGen C1849813, MONDO:0009867, OMIM 261740.

Allele frequency attached by ClinVar (database versions not stated): gnomAD 0.00004 and 0.00010; TOPMed 0.00006; gnomAD exomes 0.00012 and 0.00015; ExAC 0.00027; 1000 Genomes Project 0.00040; 1000 Genomes Project 30x 0.00047.
gnomAD v4.1: 196 of 1,403,388 alleles (0.014%); highest among the groups gnomAD compares: East Asian, 0.46%; no homozygotes.

Submissions (11):

Labcorp Genetics (formerly Invitae), Labcorp
Classification: Benign for Lethal congenital glycogen storage disease of heart. Last evaluated: 2026-01-05. Review status: criteria provided, single submitter. Criteria: Invitae Variant Classification Sherloc (09022015). Collection method: clinical testing. Allele origin: germline.

Blueprint Genetics
Classification: Likely benign. Last evaluated: 2024-11-22. Review status: criteria provided, single submitter. Criteria: ACMG Guidelines, 2015. Collection method: clinical testing. Allele origin: germline.

CeGaT Center for Human Genetics Tuebingen
Classification: Likely benign. Last evaluated: 2023-01-01. Review status: criteria provided, single submitter. Criteria: CeGaT Center For Human Genetics Tuebingen Variant Classification Criteria Version 2. Collection method: clinical testing. Allele origin: germline. Affected: yes. Observed: 1 variant allele.
Comment: PRKAG2: BP4, BP7

Ambry Genetics
Classification: Likely benign for Cardiovascular phenotype. Last evaluated: 2021-08-12. Review status: criteria provided, single submitter. Criteria: Ambry Variant Classification Scheme 2023. Collection method: clinical testing. Allele origin: germline.

Color Diagnostics, LLC DBA Color Health
Classification: Benign for Cardiomyopathy. Last evaluated: 2018-10-22. Review status: criteria provided, single submitter. Criteria: ACMG Guidelines, 2015. Collection method: clinical testing. Allele origin: germline.

Illumina Laboratory Services, Illumina
Classification: Uncertain significance for Hypertrophic cardiomyopathy 6. Last evaluated: 2018-01-13. Review status: criteria provided, single submitter. Criteria: ICSL Variant Classification Criteria 13 December 2019. Collection method: clinical testing. Allele origin: germline.

Illumina Laboratory Services, Illumina
Classification: Uncertain significance for Wolff-Parkinson-White pattern. Last evaluated: 2018-01-13. Review status: criteria provided, single submitter. Criteria: ICSL Variant Classification Criteria 13 December 2019. Collection method: clinical testing. Allele origin: germline.

GeneDx
Classification: Benign. Last evaluated: 2015-05-15. Review status: criteria provided, single submitter. Criteria: GeneDx Variant Classification (06012015). Collection method: clinical testing. Allele origin: germline. Affected: yes.
Comment: This variant is considered likely benign or benign based on one or more of the following criteria: it is a conservative change, it occurs at a poorly conserved position in the protein, it is predicted to be benign by multiple in silico algorithms, and/or has population frequency not consistent with disease.

PreventionGenetics, part of Exact Sciences
Classification: Likely benign for PRKAG2-related condition. Last evaluated: 2020-09-18. Review status: no assertion criteria provided. Collection method: clinical testing. Allele origin: germline. Not counted in ClinVar's aggregate classification.
Comment: This variant is classified as likely benign based on ACMG/AMP sequence variant interpretation guidelines (Richards et al. 2015 PMID: 25741868, with internal and published modifications).

Clinical Genetics DNA and cytogenetics Diagnostics Lab, Erasmus MC, Erasmus Medical Center
Classification: Likely benign. Review status: no assertion criteria provided. Collection method: clinical testing. Allele origin: germline. Affected: yes. Study: VKGL Data-share Consensus. Not counted in ClinVar's aggregate classification.

Joint Genome Diagnostic Labs from Nijmegen and Maastricht, Radboudumc and MUMC+
Classification: Likely benign. Review status: no assertion criteria provided. Collection method: clinical testing. Allele origin: germline. Affected: yes. Study: VKGL Data-share Consensus. Not counted in ClinVar's aggregate classification.

NM_016203.4(PRKAG2):c.750C>T (p.Asp250=)

Genes: PRKAG2 (protein kinase AMP-activated non-catalytic subunit gamma 2; minus strand), LOC129999660 (ATAC-STARR-seq lymphoblastoid silent region 18823; plus strand). Cytogenetic location: 7q36.1.
Variant type: single nucleotide variant.
Coding change: c.750C>T on transcript NM_016203.4 (MANE Select); coding-DNA position 750, C replaced by T.
Protein change: p.Asp250=; no amino-acid change (aspartic acid 250 retained).
Molecular consequence: synonymous variant.
Genome position (GRCh38, 1-based): chr7:151,632,073, G>A on the plus strand (C>T on the coding strand, the complement: PRKAG2 is on the minus strand). VCF-style: chr7-151632073-G-A. GRCh37 (hg19) VCF-style: chr7-151329159-G-A.
Other names: c.618C>T, p.Asp206= (NM_001040633.2); c.378C>T, p.Asp126= (NM_001304527.2, NM_001363698.2); c.27C>T, p.Asp9= (NM_001304531.2, NM_024429.2).
Identifiers: ClinVar variation 378428 (VCV000378428.48), dbSNP rs201735117, ClinGen allele CA058180.